The following is an entry in ClinVar:

NM_007294.4(BRCA1):c.4399C>T (p.Gln1467Ter)

Gene: BRCA1 (BRCA1 DNA repair associated; minus strand). Cytogenetic location: 17q21.31.
Variant type: single nucleotide variant.
Coding change: c.4399C>T on transcript NM_007294.4 (MANE Select); coding-DNA position 4399, C replaced by T.
Protein change: p.Gln1467Ter; replaces glutamine 1467 with a stop codon.
Molecular consequence: nonsense. On other transcripts: non-coding transcript variant (1).
Genome position (GRCh38, 1-based): chr17:43,076,573, G>A on the plus strand (C>T on the coding strand, the complement: BRCA1 is on the minus strand). VCF-style: chr17-43076573-G-A. GRCh37 (hg19) VCF-style: chr17-41228590-G-A.
Other names: 4518C>T; c.4396C>T, p.Gln1466Ter (NM_001407859.1, NM_001407860.1, NM_001407610.1 and 17 more transcripts); c.4393C>T, p.Gln1465Ter (NM_001407861.1, NM_001407641.1, NM_001407642.1 and 14 more transcripts); c.4198C>T, p.Gln1400Ter (NM_001407862.1); c.4273C>T, p.Gln1425Ter (NM_001407863.1, NM_001407670.1, NM_001407671.1 and 11 more transcripts); c.4189C>T, p.Gln1397Ter (NM_001407889.1, NM_001407879.1, NM_001407881.1 and 5 more transcripts); c.4186C>T, p.Gln1396Ter (NM_001407894.1, NM_001407895.1, NM_001407896.1 and 12 more transcripts); c.4276C>T, p.Gln1426Ter (NM_001407919.1, NM_001407664.1, NM_001407665.1 and 6 more transcripts); and 69 more; short protein forms Q1467*, Q1420*, Q363*, Q1488*, Q1170*, Q1171*, Q1298*, Q1338*.
Identifiers: ClinVar variation 55191 (VCV000055191.16), dbSNP rs397509171, ClinGen allele CA002821.

ClinVar aggregate classification (germline): Pathogenic. Review status: reviewed by expert panel (3 of 4 stars). 8 submissions from 8 submitters: Pathogenic (1). 7 of the submissions do not count toward it. Last evaluated 2016-10-18.

Conditions:
Breast and/or ovarian cancer. Identifiers: MedGen CN221562.
Breast-ovarian cancer, familial, susceptibility to, 1 (BROVCA1). Also called: BRCA1 Hereditary Breast and Ovarian Cancer; OVARIAN CANCER, SUSCEPTIBILITY TO. Identifiers: Orphanet 145, MedGen C2676676, MONDO:0011450, OMIM 604370. Disease mechanism: loss of function.
Hereditary cancer-predisposing syndrome. Also called: Hereditary Cancer Syndrome; Hereditary neoplastic syndrome; Neoplastic Syndromes, Hereditary; Tumor predisposition. Identifiers: Orphanet 140162, MedGen C0027672, MeSH D009386, MONDO:0015356.
Hereditary breast ovarian cancer syndrome. Also called: BRCA1- and BRCA2-Associated Hereditary Breast and Ovarian Cancer; Hereditary breast and ovarian cancer syndrome; Hereditary breast and ovarian cancer syndrome (HBOC); Breast and ovarian cancer; Hereditary breast and/or ovarian cancer syndrome; Hereditary breast and ovarian cancer. Identifiers: Orphanet 145, MedGen C0677776, MeSH D061325, MONDO:0003582. Disease mechanism: loss of function.

Submissions (8):

Evidence-based Network for the Interpretation of Germline Mutant Alleles (ENIGMA)
Classification: Pathogenic for Breast-ovarian cancer, familial, susceptibility to, 1. Last evaluated: 2016-10-18. Review status: reviewed by expert panel. Criteria: ENIGMA BRCA1/2 Classification Criteria (2015). Collection method: curation. Allele origin: germline.
Comment: Variant allele predicted to encode a truncated non-functional protein.

Labcorp Genetics (formerly Invitae), Labcorp
Classification: Pathogenic for Hereditary breast ovarian cancer syndrome. Last evaluated: 2024-08-27. Review status: criteria provided, single submitter. Criteria: Invitae Variant Classification Sherloc (09022015). Collection method: clinical testing. Allele origin: germline. Not counted in ClinVar's aggregate classification.
Comment: This sequence change creates a premature translational stop signal (p.Gln1467*) in the BRCA1 gene. It is expected to result in an absent or disrupted protein product. Loss-of-function variants in BRCA1 are known to be pathogenic (PMID: 20104584). This variant is not present in population databases (gnomAD no frequency). This premature translational stop signal has been observed in individual(s) with breast and uterine cancer (PMID: 19656415, 21702907). ClinVar contains an entry for this variant (Variation ID: 55191). Algorithms developed to predict the effect of sequence changes on RNA splicing suggest that this variant may disrupt the consensus splice site. For these reasons, this variant has been classified as Pathogenic.

Ambry Genetics
Classification: Pathogenic for Hereditary cancer-predisposing syndrome. Last evaluated: 2023-09-18. Review status: criteria provided, single submitter. Criteria: Ambry Variant Classification Scheme 2023. Collection method: clinical testing. Allele origin: germline. Not counted in ClinVar's aggregate classification.
Comment: The p.Q1467* pathogenic mutation (also known as c.4399C>T), located in coding exon 12 of the BRCA1 gene, results from a C to T substitution at nucleotide position 4399. This changes the amino acid from a glutamine to a stop codon within coding exon 12. This alteration was identified amongst 91 families in India with early onset breast and/or early onset ovarian cancer (Soumittra N et al. Hered Cancer Clin Pract, 2009 Aug;7:13). This variant is considered to be rare based on population cohorts in the Genome Aggregation Database (gnomAD). In addition to the clinical data presented in the literature, this alteration is expected to result in loss of function by premature protein truncation or nonsense-mediated mRNA decay. As such, this alteration is interpreted as a disease-causing mutation.

Color Diagnostics, LLC DBA Color Health
Classification: Pathogenic for Hereditary cancer-predisposing syndrome. Last evaluated: 2020-12-11. Review status: criteria provided, single submitter. Criteria: ACMG Guidelines, 2015. Collection method: clinical testing. Allele origin: germline. Not counted in ClinVar's aggregate classification.
Comment: This variant changes 1 nucleotide in exon 13 of the BRCA1 gene, creating a premature translation stop signal. This variant is expected to result in an absent or non-functional protein product. To our knowledge, this variant has not been reported in individuals affected with hereditary cancer in the literature. This variant has not been identified in the general population by the Genome Aggregation Database (gnomAD). Loss of BRCA1 function is a known mechanism of disease. Based on the available evidence, this variant is classified as Pathogenic.

Consortium of Investigators of Modifiers of BRCA1/2 (CIMBA), c/o University of Cambridge
Classification: Pathogenic for Breast-ovarian cancer, familial, susceptibility to, 1. Last evaluated: 2015-10-02. Review status: criteria provided, single submitter. Criteria: CIMBA Mutation Classification guidelines May 2016. Collection method: clinical testing. Allele origin: germline. Not counted in ClinVar's aggregate classification.

Research Molecular Genetics Laboratory, Women's College Hospital, University of Toronto
Classification: Pathogenic for Hereditary breast ovarian cancer syndrome. Last evaluated: 2014-01-31. Review status: no assertion criteria provided. Collection method: research. Allele origin: germline. Affected: yes. Study: The Canadian Open Genetics Repository (COGR). Not counted in ClinVar's aggregate classification.

Foulkes Cancer Genetics LDI, Lady Davis Institute for Medical Research
Classification: Pathogenic for Breast and/or ovarian cancer. Last evaluated: 2010-07-07. Review status: no assertion criteria provided. Collection method: clinical testing. Allele origin: germline. Study: The Canadian Open Genetics Repository (COGR). Not counted in ClinVar's aggregate classification.

Department of Pathology and Laboratory Medicine, Sinai Health System
Classification: Uncertain significance. Review status: no assertion criteria provided. Collection method: clinical testing. Allele origin: unknown. Affected: yes. Observed: 1 variant allele. Study: The Canadian Open Genetics Repository (COGR). Not counted in ClinVar's aggregate classification.

Literature cited by the submitters: PubMed 20104584 (cited by Labcorp Genetics (formerly Invitae), Labcorp); PubMed 19656415 (cited by Labcorp Genetics (formerly Invitae), Labcorp and Ambry Genetics); PubMed 21702907 (cited by Labcorp Genetics (formerly Invitae), Labcorp).